The following is an entry in ClinVar:

ClinVar aggregate classification (germline): Uncertain significance (1 of 4 stars; one submission).

gnomAD v4.1: 13 of 1,614,092 alleles (0.00081%); highest among the groups gnomAD compares: East Asian, 0.0067%; no homozygotes.

Submission:

Labcorp Genetics (formerly Invitae), Labcorp
Classification: Uncertain significance. Last evaluated: 2024-03-12. Review status: criteria provided, single submitter. Criteria: Invitae Variant Classification Sherloc (09022015). Collection method: clinical testing. Allele origin: germline.
Comment: This sequence change replaces glutamic acid, which is acidic and polar, with lysine, which is basic and polar, at codon 169 of the TRIOBP protein (p.Glu169Lys). This variant is present in population databases (rs756456229, gnomAD 0.006%). This variant has not been reported in the literature in individuals affected with TRIOBP-related conditions. Algorithms developed to predict the effect of missense changes on protein structure and function output the following: SIFT: "Not Available"; PolyPhen-2: "Benign"; Align-GVGD: "Not Available". The lysine amino acid residue is found in multiple mammalian species, which suggests that this missense change does not adversely affect protein function. In summary, the available evidence is currently insufficient to determine the role of this variant in disease. Therefore, it has been classified as a Variant of Uncertain Significance.

NM_001039141.3(TRIOBP):c.505G>A (p.Glu169Lys)

Gene: TRIOBP (TRIO and F-actin binding protein; plus strand). Cytogenetic location: 22q13.1.
Variant type: single nucleotide variant.
Coding change: c.505G>A on transcript NM_001039141.3 (MANE Select); coding-DNA position 505, G replaced by A.
Protein change: p.Glu169Lys; replaces glutamic acid 169 with lysine.
Molecular consequence: missense variant.
Genome position (GRCh38, 1-based): chr22:37,715,811, G>A. VCF-style: chr22-37715811-G-A. GRCh37 (hg19) VCF-style: chr22-38111818-G-A.
Other names: short protein forms E169K.
Identifiers: ClinVar variation 3628213 (VCV003628213.2).